The following is an entry in ClinVar:

ClinVar aggregate classification (germline): Uncertain significance (1 of 4 stars; one submission).

Conditions:
Hereditary cancer-predisposing syndrome. Also called: Neoplastic Syndromes, Hereditary; Tumor predisposition; Hereditary Cancer Syndrome; Hereditary neoplastic syndrome. Identifiers: Orphanet 140162, MedGen C0027672, MeSH D009386, MONDO:0015356.

Submission:

Ambry Genetics
Classification: Uncertain significance for Hereditary cancer-predisposing syndrome. Last evaluated: 2026-03-31. Review status: criteria provided, single submitter. Criteria: Ambry Variant Classification Scheme 2023. Collection method: clinical testing. Allele origin: germline.
Comment: The p.N933S variant (also known as c.2798A>G), located in coding exon 18 of the BRIP1 gene, results from an A to G substitution at nucleotide position 2798. The asparagine at codon 933 is replaced by serine, an amino acid with highly similar properties. This amino acid position is conserved. In addition, this alteration is predicted to be tolerated by in silico analysis. Based on the available evidence, the clinical significance of this variant remains unclear.

NM_032043.3(BRIP1):c.2798A>G (p.Asn933Ser)

Gene: BRIP1 (BRCA1 interacting DNA helicase 1; minus strand). Cytogenetic location: 17q23.2.
Variant type: single nucleotide variant.
Coding change: c.2798A>G on transcript NM_032043.3 (MANE Select); coding-DNA position 2798, A replaced by G.
Protein change: p.Asn933Ser; replaces asparagine 933 with serine.
Molecular consequence: missense variant.
Genome position (GRCh38, 1-based): chr17:61,685,943, T>C on the plus strand (A>G on the coding strand, the complement: BRIP1 is on the minus strand). VCF-style: chr17-61685943-T-C. GRCh37 (hg19) VCF-style: chr17-59763304-T-C.
Other names: short protein forms N933S.
Identifiers: ClinVar variation 4867910 (VCV004867910.1).